The following is an entry in ClinVar:

ClinVar aggregate classification (germline): Uncertain significance (1 of 4 stars; one submission).

Conditions:
Early-infantile DEE. Also called: Early infantile epileptic encephalopathy; Ohtahara syndrome; Early infantile epileptic encephalopathy with suppression bursts. Identifiers: Orphanet 1934, MedGen C0393706, MONDO:0800491.

gnomAD v4.1: 1 of 1,614,000 alleles (0.000062%); highest among the groups gnomAD compares: Non-Finnish European, 0.000085%; no homozygotes.

Submission:

Labcorp Genetics (formerly Invitae), Labcorp
Classification: Uncertain significance for Early-infantile DEE. Last evaluated: 2025-12-15. Review status: criteria provided, single submitter. Criteria: Invitae Variant Classification Sherloc (09022015). Collection method: clinical testing. Allele origin: germline.
Comment: This sequence change replaces serine, which is neutral and polar, with cysteine, which is neutral and slightly polar, at codon 658 of the SPTAN1 protein (p.Ser658Cys). This variant is present in population databases (no rsID available, gnomAD 0.0009%). This variant has not been reported in the literature in individuals affected with SPTAN1-related conditions. Invitae Evidence Modeling of protein sequence and biophysical properties (such as structural, functional, and spatial information, amino acid conservation, physicochemical variation, residue mobility, and thermodynamic stability) has been performed for this missense variant. However, the output from this modeling did not meet the statistical confidence thresholds required to predict the impact of this variant on SPTAN1 protein function. In summary, the available evidence is currently insufficient to determine the role of this variant in disease. Therefore, it has been classified as a Variant of Uncertain Significance.

NM_001130438.3(SPTAN1):c.1972A>T (p.Ser658Cys)

Gene: SPTAN1 (spectrin alpha, non-erythrocytic 1; plus strand). Cytogenetic location: 9q34.11.
Variant type: single nucleotide variant.
Coding change: c.1972A>T on transcript NM_001130438.3 (MANE Select); coding-DNA position 1972, A replaced by T.
Protein change: p.Ser658Cys; replaces serine 658 with cysteine.
Molecular consequence: missense variant.
Genome position (GRCh38, 1-based): chr9:128,583,242, A>T. VCF-style: chr9-128583242-A-T. GRCh37 (hg19) VCF-style: chr9-131345521-A-T.
Other names: c.1972A>T, p.Ser658Cys (NM_001195532.2, NM_001363759.2, NM_001363765.2 and 10 more transcripts); c.2008A>T, p.Ser670Cys (NM_001375312.2, NM_001375318.1, NM_001438440.1); short protein forms S658C, S670C.
Identifiers: ClinVar variation 4763461 (VCV004763461.1).